The following is an entry in ClinVar:

ClinVar aggregate classification (germline): Uncertain significance (1 of 4 stars; one submission).

Conditions:
Inborn genetic diseases. Identifiers: MedGen C0950123, MeSH D030342.

Submission:

Ambry Genetics
Classification: Uncertain significance for Inborn genetic diseases. Last evaluated: 2025-08-14. Review status: criteria provided, single submitter. Criteria: Ambry Variant Classification Scheme 2023. Collection method: clinical testing. Allele origin: germline.
Comment: The p.C452G variant (also known as c.1354T>G), located in coding exon 8 of the ETV6 gene, results from a T to G substitution at nucleotide position 1354. The cysteine at codon 452 is replaced by glycine, an amino acid with highly dissimilar properties. This amino acid position is conserved. In addition, the in silico prediction for this alteration is inconclusive. Based on the available evidence, the clinical significance of this variant remains unclear.

NM_001987.5(ETV6):c.1354T>G (p.Cys452Gly)

Gene: ETV6 (ETS variant transcription factor 6; plus strand). Cytogenetic location: 12p13.2.
Variant type: single nucleotide variant.
Coding change: c.1354T>G on transcript NM_001987.5 (MANE Select); coding-DNA position 1354, T replaced by G.
Protein change: p.Cys452Gly; replaces cysteine 452 with glycine.
Molecular consequence: missense variant. On other transcripts: 3 prime UTR variant (1).
Genome position (GRCh38, 1-based): chr12:11,891,041, T>G. VCF-style: chr12-11891041-T-G. GRCh37 (hg19) VCF-style: chr12-12043975-T-G.
Other names: c.1351T>G, p.Cys451Gly (NM_001413913.1); c.1327T>G, p.Cys443Gly (NM_001413914.1); c.1090T>G, p.Cys364Gly (NM_001413915.1); c.*93T>G (NM_001413917.1); short protein forms C452G, C364G, C443G, C451G.
Identifiers: ClinVar variation 4251477 (VCV004251477.1).
Genomic context (GRCh38, chr12:11,891,041, plus strand): 5'-GACCGTCTGGAGCACCTAGAGTCCCAGGAGCTGGATGAACAAATATACCAAGAAGATGAA[T>G]GCTGAAGGAACCAACAGTCCACCTCAGCGGGCCAGCAGCCCAGGGAACCCCTGCCCACCA-3'
Protein context (NP_001978.1, residues 442-452): LDEQIYQEDE[Cys452Gly]